The following is an entry in ClinVar:

ClinVar aggregate classification (germline): Uncertain significance (1 of 4 stars; one submission).

Conditions:
Primary ciliary dyskinesia. Also called: Ciliary dyskinesia. Identifiers: Orphanet 244, MedGen C0008780, MONDO:0016575, HP:0012265.

Submission:

Ambry Genetics
Classification: Uncertain significance for Primary ciliary dyskinesia. Last evaluated: 2021-11-19. Review status: criteria provided, single submitter. Criteria: Ambry Variant Classification Scheme 2023. Collection method: clinical testing. Allele origin: germline.
Comment: The p.C572S variant (also known as c.1715G>C), located in coding exon 11 of the CCDC40 gene, results from a G to C substitution at nucleotide position 1715. The cysteine at codon 572 is replaced by serine, an amino acid with dissimilar properties. This amino acid position is conserved. In addition, this alteration is predicted to be tolerated by in silico analysis. Since supporting evidence is limited at this time, the clinical significance of this alteration remains unclear.

NM_017950.4(CCDC40):c.1715G>C (p.Cys572Ser)

Gene: CCDC40 (coiled-coil domain 40 molecular ruler complex subunit; plus strand). Cytogenetic location: 17q25.3.
Variant type: single nucleotide variant.
Coding change: c.1715G>C on transcript NM_017950.4 (MANE Select); coding-DNA position 1715, G replaced by C.
Protein change: p.Cys572Ser; replaces cysteine 572 with serine.
Molecular consequence: missense variant.
Genome position (GRCh38, 1-based): chr17:80,081,698, G>C. VCF-style: chr17-80081698-G-C. GRCh37 (hg19) VCF-style: chr17-78055497-G-C.
Other names: c.1715G>C, p.Cys572Ser (NM_001243342.2); short protein forms C572S.
Identifiers: ClinVar variation 1778623 (VCV001778623.2), dbSNP rs2510311945, ClinGen allele CA401337366.
Genomic context (GRCh38, chr17:80,081,698, plus strand): 5'-CGAGCATCCTGAACCGGACAGAGACGGAAGCCACACTGCTGCAGAAGCTCACCACCCAGT[G>C]CCTGACCAAGCAGGTGGCCCTGCAGAGCCAGTTCAATACCTACAGGCTCACCCTGCAGGA-3'
Protein context (NP_060420.2, residues 562-582): ATLLQKLTTQ[Cys572Ser]LTKQVALQSQ